The following is an entry in ClinVar:

NM_080680.3(COL11A2):c.3020C>T (p.Pro1007Leu)

Gene: COL11A2 (collagen type XI alpha 2 chain; minus strand). Cytogenetic location: 6p21.32.
Variant type: single nucleotide variant.
Coding change: c.3020C>T on transcript NM_080680.3 (MANE Select); coding-DNA position 3020, C replaced by T.
Protein change: p.Pro1007Leu; replaces proline 1007 with leucine.
Molecular consequence: missense variant.
Genome position (GRCh38, 1-based): chr6:33,172,072, G>A on the plus strand (C>T on the coding strand, the complement: COL11A2 is on the minus strand). VCF-style: chr6-33172072-G-A. GRCh37 (hg19) VCF-style: chr6-33139849-G-A.
Other names: c.2699C>T, p.Pro900Leu (NM_080679.3); c.2762C>T, p.Pro921Leu (NM_080681.3); short protein forms P1007L, P900L, P921L.
Identifiers: ClinVar variation 1687700 (VCV001687700.8), dbSNP rs771092817, ClinGen allele CA3750669.

ClinVar aggregate classification (germline): Conflicting classifications of pathogenicity. Review status: criteria provided, conflicting classifications (1 of 4 stars). 4 submissions from 4 submitters: Uncertain significance (2); Likely benign (1). 1 of the submissions does not count toward it. Last evaluated 2025-12-04.

Conditions:
COL11A2-related disorder. Also called: COL11A2-related condition; COL11A2-related disorders.
Inborn genetic diseases. Identifiers: MedGen C0950123, MeSH D030342.

Allele frequency attached by ClinVar (database versions not stated): gnomAD exomes 0.00002; TOPMed 0.00002; ExAC 0.00003; gnomAD 0.00003.
gnomAD v4.1: 36 of 1,612,634 alleles (0.0022%); highest among the groups gnomAD compares: Non-Finnish European, 0.0024%; no homozygotes.

Submissions (4):

Ambry Genetics
Classification: Uncertain significance for Inborn genetic diseases. Last evaluated: 2025-12-04. Review status: criteria provided, single submitter. Criteria: Ambry Variant Classification Scheme 2023. Collection method: clinical testing. Allele origin: germline.

Labcorp Genetics (formerly Invitae), Labcorp
Classification: Likely benign. Last evaluated: 2025-08-22. Review status: criteria provided, single submitter. Criteria: Invitae Variant Classification Sherloc (09022015). Collection method: clinical testing. Allele origin: germline.

GeneDx
Classification: Uncertain significance. Last evaluated: 2021-11-24. Review status: criteria provided, single submitter. Criteria: GeneDx Variant Classification Process June 2021. Collection method: clinical testing. Allele origin: germline. Affected: yes.
Comment: Has not been previously published as pathogenic or benign to our knowledge; Not observed at significant frequency in large population cohorts (gnomAD); In silico analysis supports that this missense variant has a deleterious effect on protein structure/function

PreventionGenetics, part of Exact Sciences
Classification: Uncertain significance for COL11A2-related condition. Last evaluated: 2024-04-05. Review status: no assertion criteria provided. Collection method: clinical testing. Allele origin: germline. Not counted in ClinVar's aggregate classification.
Comment: The COL11A2 c.3020C>T variant is predicted to result in the amino acid substitution p.Pro1007Leu. To our knowledge, this variant has not been reported in the literature. This variant is reported in 0.0050% of alleles in individuals of East Asian descent in gnomAD. At this time, the clinical significance of this variant is uncertain due to the absence of conclusive functional and genetic evidence.